The following is an entry in ClinVar:

ClinVar aggregate classification (germline): Pathogenic (1 of 4 stars; one submission).

Conditions:
Agenesis of the corpus callosum with peripheral neuropathy (ACCPN). Also called: CHARLEVOIX DISEASE; POLYNEUROPATHY, SENSORIMOTOR, WITH OR WITHOUT AGENESIS OF THE CORPUS CALLOSUM; HMSN/ACC; Hereditary Motor and Sensory Neuropathy with Agenesis of the Corpus Callosum. Identifiers: Orphanet 1496, MedGen C0795950, MONDO:0000902, OMIM 218000. Disease mechanism: loss of function.

Submission:

Myriad Genetics, Inc.
Classification: Pathogenic for Agenesis of the corpus callosum with peripheral neuropathy. Last evaluated: 2025-03-17. Review status: criteria provided, single submitter. Criteria: Myriad Autosomal Dominant, Autosomal Recessive and X-Linked Classification Criteria (2023). Collection method: clinical testing. Allele origin: unknown.
Comment: NM_133647.1(SLC12A6):c.584_594del11(C195Yfs*46) is expected to be pathogenic in the context of Andermann syndrome. This variant is predicted to lead to an abnormal or absent protein product due to the creation of a premature termination codon in SLC12A6, a gene where loss-of-function variants are known to be pathogenic. Please note: this variant was assessed in the context of healthy population screening.

NM_001365088.1(SLC12A6):c.584_594del (p.Cys195fs)

Gene: SLC12A6 (solute carrier family 12 member 6; minus strand). Cytogenetic location: 15q14.
Variant type: Deletion.
Coding change: c.584_594del on transcript NM_001365088.1 (MANE Select); coding-DNA positions 584 to 594, 11 bases deleted (GTCTACAAAAT).
Protein change: p.Cys195fs; shifts the reading frame from cysteine 195.
Molecular consequence: frameshift variant.
Genome position (GRCh38, 1-based): chr15:34,257,738-34,257,748, ATTTTGTAGAC deleted on the plus strand (GTCTACAAAAT on the coding strand, the reverse complement: SLC12A6 is on the minus strand); deleting any 11 consecutive bases within chr15:34,257,738-34,257,750 gives the same sequence; the c. name uses the placement nearest the transcript's 3' end. VCF-style (leftmost placement, unchanged base first): chr15-34257737-TATTTTGTAGAC-T. GRCh37 (hg19) VCF-style: chr15-34549938-TATTTTGTAGAC-T.
Other names: c.407_417del, p.Cys136fs (NM_001042494.2, NM_001042495.2); c.557_567del, p.Cys186fs (NM_001042496.2); c.539_549del, p.Cys180fs (NM_001042497.2); c.431_441del, p.Cys144fs (NM_005135.2); c.584_594del, p.Cys195fs (NM_133647.2); short protein forms C136fs, C144fs, C180fs, C186fs, C195fs.
Identifiers: ClinVar variation 5014226 (VCV005014226.1).
Genomic context (GRCh38, chr15:34,257,737, plus strand): 5'-GAAGAACTCCAGCTGTGCCCACCACCCATGTAAGGCGTAAAAAAAGGATCACTCCAAAAA[TATTTTGTAGAC>T]ATGGGAGGTAGACACCCATGAAGGTACCCATTTGGGGGGTCTAGAAAGAAAGACATTGAT-3'